The following is an entry in ClinVar:

ClinVar aggregate classification (germline): Pathogenic/Likely pathogenic. Review status: criteria provided, multiple submitters, no conflicts (2 of 4 stars). 2 submissions from 2 submitters: Pathogenic (1); Likely pathogenic (1). Last evaluated 2025-11-16.

Conditions:
Marfan syndrome (MFS). Also called: MARFAN SYNDROME, TYPE I; FBN1-Related Marfan Syndrome; Marfan syndrome type 1; Marfan's syndrome; Marfan syndrome, classic. Identifiers: Orphanet 284963, Orphanet 558, MedGen C0024796, MONDO:0007947, OMIM 154700.
Familial thoracic aortic aneurysm and aortic dissection (TAAD). Also called: Thoracic aortic aneurysms and dissections. Identifiers: Orphanet 91387, MedGen C4707243, MONDO:0019625.

Submissions (2):

GeneDx
Classification: Likely pathogenic. Last evaluated: 2025-11-16. Review status: criteria provided, single submitter. Criteria: GeneDx Variant Classification Process June 2021. Collection method: clinical testing. Allele origin: germline. Affected: yes.
Comment: Identified in patients with Marfan syndrome referred for genetic testing at GeneDx and in published literature, including an assumed de novo occurrence (PMID: 38958168, 38700693); Identified in patients with isolated TAAD or isolated ectopia lentis (PMID: 36517271, 34550612, 34281902); Not observed at significant frequency in large population cohorts (gnomAD); In silico analysis supports that this missense variant has a deleterious effect on protein structure/function; Does not affect a cysteine or calcium-binding residue within an EGF-like domain or a TGF-binding protein domain of the FBN1 gene; cysteine substitutions in the EGF-like domains represent the majority of pathogenic missense changes associated with FBN1-related disorders (PMID: 12938084); This variant is associated with the following publications: (PMID: 19802897, 27906200, 34818515, 34281902, 36517271, 38958168, 38700693, 34550612, 9525872)

Labcorp Genetics (formerly Invitae), Labcorp
Classification: Pathogenic for Marfan syndrome; Familial thoracic aortic aneurysm and aortic dissection. Last evaluated: 2025-11-13. Review status: criteria provided, single submitter. Criteria: Invitae Variant Classification Sherloc (09022015). Collection method: clinical testing. Allele origin: germline.
Comment: This sequence change replaces glycine, which is neutral and non-polar, with valine, which is neutral and non-polar, at codon 1127 of the FBN1 protein (p.Gly1127Val). This variant is not present in population databases (gnomAD no frequency). This missense change has been observed in individuals with FBN1-related conditions (PMID: 27906200, 34281902, 36517271). ClinVar contains an entry for this variant (Variation ID: 421062). Invitae Evidence Modeling of protein sequence and biophysical properties (such as structural, functional, and spatial information, amino acid conservation, physicochemical variation, residue mobility, and thermodynamic stability) indicates that this missense variant is expected to disrupt FBN1 protein function with a positive predictive value of 95%. This variant disrupts the p.Gly1127 amino acid residue in FBN1. Other variant(s) that disrupt this residue have been determined to be pathogenic (PMID: 7762551). This suggests that this residue is clinically significant, and that variants that disrupt this residue are likely to be disease-causing. For these reasons, this variant has been classified as Pathogenic.

Literature cited by the submitters: PubMed 27906200 (cited by Labcorp Genetics (formerly Invitae), Labcorp); PubMed 34281902 (cited by Labcorp Genetics (formerly Invitae), Labcorp); PubMed 36517271 (cited by Labcorp Genetics (formerly Invitae), Labcorp); PubMed 7762551 (cited by Labcorp Genetics (formerly Invitae), Labcorp).

NM_000138.5(FBN1):c.3380G>T (p.Gly1127Val)

Gene: FBN1 (fibrillin 1; minus strand). Cytogenetic location: 15q21.1.
Variant type: single nucleotide variant.
Coding change: c.3380G>T on transcript NM_000138.5 (MANE Select); coding-DNA position 3380, G replaced by T.
Protein change: p.Gly1127Val; replaces glycine 1127 with valine.
Molecular consequence: missense variant.
Genome position (GRCh38, 1-based): chr15:48,487,395, C>A on the plus strand (G>T on the coding strand, the complement: FBN1 is on the minus strand). VCF-style: chr15-48487395-C-A. GRCh37 (hg19) VCF-style: chr15-48779592-C-A.
Other names: short protein forms G1127V.
Identifiers: ClinVar variation 421062 (VCV000421062.4), dbSNP rs1064794882, ClinGen allele CA16619960.